The following is an entry in ClinVar:

NC_000007.13:g.(33390936_33392470)_(33397608_33407378)del

Gene: BBS9 (Bardet-Biedl syndrome 9; plus strand). Cytogenetic location: 7p14.3.
Variant type: Deletion.
Identifiers: ClinVar variation 3366832 (VCV003366832.1).

ClinVar aggregate classification (germline): Uncertain significance (1 of 4 stars; one submission).

Submission:

Women's Health and Genetics/Laboratory Corporation of America, LabCorp
Classification: Uncertain significance. Last evaluated: 2024-08-13. Review status: criteria provided, single submitter. Criteria: LabCorp Variant Classification Summary - May 2015. Collection method: clinical testing. Allele origin: germline.
Comment: Variant summary: The variant involves the deletion of exons 15-16 in the BBS9 gene. A presumed nomenclature of c.(1537+1_1538-1)_(1693+1_1694-1)del has been designated for the purposes of this classification. This Copy Number Variant (CNV) is predicted to result in an in-frame deletion within this gene. The variant was absent in 21694 control chromosomes. The available data on variant occurrences in the general population are insufficient to allow any conclusion about variant significance. To our knowledge, no occurrence of c.(1537+1_1538-1)_(1693+1_1694-1)del in individuals affected with Bardet-Biedl Syndrome and no experimental evidence demonstrating its impact on protein function have been reported. No submitters have cited clinical-significance assessments for this variant to ClinVar. Based on the evidence outlined above, the variant was classified as uncertain significance.